The following is an entry in ClinVar:

ClinVar aggregate classification (germline): Uncertain significance (1 of 4 stars; one submission).

Conditions:
Joubert syndrome. Also called: CEREBELLOPARENCHYMAL DISORDER IV; JOUBERT-BOLTSHAUSER SYNDROME; Familial aplasia of the vermis. Identifiers: Orphanet 475, MedGen C5979921, MONDO:0018772.
Nephronophthisis. Also called: Juvenile Nephronophthisis. Identifiers: Orphanet 655, MedGen C0687120, MONDO:0019005, HP:0000090.
Meckel-Gruber syndrome. Also called: DYSENCEPHALIA SPLANCHNOCYSTICA; GRUBER SYNDROME; Dysencephalia splachnocystica. Identifiers: Orphanet 564, MedGen C0265215, MONDO:0018921.

Submission:

Labcorp Genetics (formerly Invitae), Labcorp
Classification: Uncertain significance for Joubert syndrome; Meckel-Gruber syndrome; Nephronophthisis. Last evaluated: 2022-06-13. Review status: criteria provided, single submitter. Criteria: Invitae Variant Classification Sherloc (09022015). Collection method: clinical testing. Allele origin: germline.
Comment: In summary, the available evidence is currently insufficient to determine the role of this variant in disease. Therefore, it has been classified as a Variant of Uncertain Significance. Algorithms developed to predict the effect of missense changes on protein structure and function are either unavailable or do not agree on the potential impact of this missense change (SIFT: "Deleterious"; PolyPhen-2: "Probably Damaging"; Align-GVGD: "Class C0"). This variant has not been reported in the literature in individuals affected with CEP290-related conditions. This variant is not present in population databases (gnomAD no frequency). This sequence change replaces aspartic acid, which is acidic and polar, with histidine, which is basic and polar, at codon 16 of the CEP290 protein (p.Asp16His).

NM_025114.4(CEP290):c.46G>C (p.Asp16His)

Gene: CEP290 (centrosomal protein 290; minus strand). Cytogenetic location: 12q21.32.
Variant type: single nucleotide variant.
Coding change: c.46G>C on transcript NM_025114.4 (MANE Select); coding-DNA position 46, G replaced by C.
Protein change: p.Asp16His; replaces aspartic acid 16 with histidine.
Molecular consequence: missense variant.
Genome position (GRCh38, 1-based): chr12:88,141,262, C>G on the plus strand (G>C on the coding strand, the complement: CEP290 is on the minus strand). VCF-style: chr12-88141262-C-G. GRCh37 (hg19) VCF-style: chr12-88535039-C-G.
Other names: short protein forms D16H.
Identifiers: ClinVar variation 1346510 (VCV001346510.8), dbSNP rs2040641439, ClinGen allele CA385990350.
Genomic context (GRCh38, chr12:88,141,262, plus strand): 5'-GCACCTTGGATAAGGAAATCAATAAATTATCTGCCAGTTCTTCTTGACGGGGCAGGTCAT[C>G]TGGGTCAACTTTCATTATTTCTTTCCAGTTTATATTAGGTGGCATCTTGAATTCTTTCAC-3'
Protein context (NP_079390.3, residues 6-26): NWKEIMKVDP[Asp16His]DLPRQEELAD